The following is an entry in ClinVar:

NM_000222.3(KIT):c.1159G>A (p.Gly387Arg)

Gene: KIT (KIT proto-oncogene, receptor tyrosine kinase; plus strand). Cytogenetic location: 4q12.
Variant type: single nucleotide variant.
Coding change: c.1159G>A on transcript NM_000222.3 (MANE Select); coding-DNA position 1159, G replaced by A.
Protein change: p.Gly387Arg; replaces glycine 387 with arginine.
Molecular consequence: missense variant.
Genome position (GRCh38, 1-based): chr4:54,709,467, G>A. VCF-style: chr4-54709467-G-A. GRCh37 (hg19) VCF-style: chr4-55575633-G-A.
Other names: c.1159G>A, p.Gly387Arg (NM_001093772.2, NM_001385285.1, NM_001385286.1); c.1162G>A, p.Gly388Arg (NM_001385284.1, NM_001385288.1, NM_001385290.1 and 1 more transcripts); c.1159G>A (NM_000222.2); short protein forms G387R, G388R.
Identifiers: ClinVar variation 1053119 (VCV001053119.18), dbSNP rs2109714130, ClinGen allele CA356902256.
Genomic context (GRCh38, chr4:54,709,467, plus strand): 5'-TTGTCTTTTCTTTGTAGATACGTAAGTGAACTTCATCTAACGAGATTAAAAGGCACCGAA[G>A]GAGGCACTTACACATTCCTAGTGTCCAATTCTGACGTCAATGCTGCCATAGCATTTAATG-3'
Protein context (NP_000213.1, residues 377-397): LHLTRLKGTE[Gly387Arg]GTYTFLVSNS

ClinVar aggregate classification (germline): Uncertain significance. Review status: criteria provided, multiple submitters, no conflicts (2 of 4 stars). 2 submissions from 2 submitters: Uncertain significance (2). Last evaluated 2023-04-30.

Conditions:
Gastrointestinal stromal tumor. Also called: Gastrointestinal stromal tumor, somatic; Gastrointestinal stroma tumor. Identifiers: Orphanet 44890, MedGen C0238198, MeSH D046152, MONDO:0011719, OMIM 606764, HP:0100723.
Hereditary cancer-predisposing syndrome. Also called: Tumor predisposition; Neoplastic Syndromes, Hereditary; Hereditary neoplastic syndrome; Hereditary Cancer Syndrome. Identifiers: Orphanet 140162, MedGen C0027672, MeSH D009386, MONDO:0015356.

Submissions (2):

Ambry Genetics
Classification: Uncertain significance for Hereditary cancer-predisposing syndrome. Last evaluated: 2023-04-30. Review status: criteria provided, single submitter. Criteria: Ambry Variant Classification Scheme 2023. Collection method: clinical testing. Allele origin: germline.
Comment: The p.G387R variant (also known as c.1159G>A), located in coding exon 7 of the KIT gene, results from a G to A substitution at nucleotide position 1159. The glycine at codon 387 is replaced by arginine, an amino acid with dissimilar properties. This amino acid position is conserved. In addition, the in silico prediction for this alteration is inconclusive. Since supporting evidence is limited at this time, the clinical significance of this alteration remains unclear.

Labcorp Genetics (formerly Invitae), Labcorp
Classification: Uncertain significance for Gastrointestinal stromal tumor. Last evaluated: 2020-01-22. Review status: criteria provided, single submitter. Criteria: Invitae Variant Classification Sherloc (09022015). Collection method: clinical testing. Allele origin: germline.
Comment: This variant has not been reported in the literature in individuals with KIT-related conditions. This variant is not present in population databases (ExAC no frequency). This sequence change replaces glycine with arginine at codon 387 of the KIT protein (p.Gly387Arg). The glycine residue is highly conserved and there is a moderate physicochemical difference between glycine and arginine. Algorithms developed to predict the effect of missense changes on protein structure and function are either unavailable or do not agree on the potential impact of this missense change (SIFT: "Deleterious"; PolyPhen-2: "Possibly Damaging"; Align-GVGD: "Class C0"). In summary, the available evidence is currently insufficient to determine the role of this variant in disease. Therefore, it has been classified as a Variant of Uncertain Significance.